The following is an entry in ClinVar:

ClinVar aggregate classification (germline): Pathogenic (1 of 4 stars; one submission).

Conditions:
Familial dysautonomia. Also called: HSAN III; FD. Identifiers: Orphanet 1764, MedGen C0013364, MONDO:0009131, OMIM 223900. Disease mechanism: loss of function.

Submission:

Myriad Genetics, Inc.
Classification: Pathogenic for Familial dysautonomia. Last evaluated: 2023-12-26. Review status: criteria provided, single submitter. Criteria: Myriad Autosomal Dominant, Autosomal Recessive and X-Linked Classification Criteria (2023). Collection method: clinical testing. Allele origin: unknown.
Comment: NM_003640.3(ELP1):c.3632dupG(S1211Rfs*14) is expected to be pathogenic in the context of familial dysautonomia. This variant is predicted to lead to an abnormal or absent protein product due to the creation of a premature termination codon in ELP1, a gene where loss-of-function variants are known to be pathogenic. Please note: this variant was assessed in the context of healthy population screening.

NM_003640.5(ELP1):c.3632dup (p.Ser1211fs)

Gene: ELP1 (elongator acetyltransferase complex subunit 1; minus strand). Cytogenetic location: 9q31.3.
Variant type: Duplication.
Coding change: c.3632dup on transcript NM_003640.5 (MANE Select); coding-DNA position 3632, one base duplicated (G; older notation c.3632dupG).
Protein change: p.Ser1211fs; shifts the reading frame from serine 1211.
Molecular consequence: frameshift variant.
Genome position (GRCh38, 1-based): chr9:108,878,691, C duplicated on the plus strand (G on the coding strand, the reverse complement: ELP1 is on the minus strand). VCF-style (leftmost placement, unchanged base first): chr9-108878690-A-AC. GRCh37 (hg19) VCF-style: chr9-111640970-A-AC.
Other names: c.3290dup, p.Ser1097fs (NM_001318360.2); c.2585dup, p.Ser862fs (NM_001330749.2); short protein forms S1097fs, S1211fs, S862fs.
Identifiers: ClinVar variation 5012611 (VCV005012611.1).
Genomic context (GRCh38, chr9:108,878,690, plus strand): 5'-GTTTTCAGTGTTCTGCACCACTTCACTCAGTGCCTCCAGGAGGGCCAGGTCCTCCAGCGG[A>AC]CTGCCTTCTTTGAGGCTGTGCTTCTTCCGCTCCGCTTTTCGGCGATTCTTGGATGATCTC-3'